The following is an entry in ClinVar:

ClinVar aggregate classification (germline): Uncertain significance (1 of 4 stars; one submission).

Submission:

Women's Health and Genetics/Laboratory Corporation of America, LabCorp
Classification: Uncertain significance. Last evaluated: 2024-10-08. Review status: criteria provided, single submitter. Criteria: LabCorp Variant Classification Summary - May 2015. Collection method: clinical testing. Allele origin: germline.
Comment: Variant summary: MARS1 c.1997_2005delGGGGCTATG (p.Gly666_Tyr668del) results in an in-frame deletion that is predicted to remove three amino acids from the encoded protein. The variant was absent in 115568 control chromosomes. The available data on variant occurrences in the general population are insufficient to allow any conclusion about variant significance. To our knowledge, no occurrence of c.1997_2005delGGGGCTATG in individuals affected with Severe early-onset pulmonary alveolar proteinosis due to MARS deficiency and no experimental evidence demonstrating its impact on protein function have been reported. No submitters have cited clinical-significance assessments for this variant to ClinVar. Based on the evidence outlined above, the variant was classified as uncertain significance.

NM_004990.4(MARS1):c.1997_2005del (p.Gly666_Tyr668del)

Gene: MARS1 (methionyl-tRNA synthetase 1; plus strand). Cytogenetic location: 12q13.3.
Variant type: Deletion.
Coding change: c.1997_2005del on transcript NM_004990.4 (MANE Select); coding-DNA positions 1997 to 2005, 9 bases deleted (GGGGCTATG; older notation c.1997_2005delGGGGCTATG).
Protein change: p.Gly666_Tyr668del.
Genome position (GRCh38, 1-based): chr12:57,514,749-57,514,757, GGGGCTATG deleted; deleting any 9 consecutive bases within chr12:57,514,747-57,514,757 gives the same sequence; the c. name uses the placement nearest the transcript's 3' end. VCF-style (leftmost placement, unchanged base first): chr12-57514746-TTGGGGGCTA-T. GRCh37 (hg19) VCF-style: chr12-57908529-TTGGGGGCTA-T.
Other names: c.1997_2005delGGGGCTATG (NM_004990.4).
Identifiers: ClinVar variation 3384826 (VCV003384826.1).